The following is an entry in ClinVar:

ClinVar aggregate classification (germline): Uncertain significance (1 of 4 stars; one submission).

gnomAD v4.1: 2 of 1,614,174 alleles (0.00012%); highest among the groups gnomAD compares: South Asian, 0.0011%; no homozygotes.

Submission:

Labcorp Genetics (formerly Invitae), Labcorp
Classification: Uncertain significance. Last evaluated: 2024-05-02. Review status: criteria provided, single submitter. Criteria: Invitae Variant Classification Sherloc (09022015). Collection method: clinical testing. Allele origin: germline.
Comment: This sequence change replaces phenylalanine, which is neutral and non-polar, with leucine, which is neutral and non-polar, at codon 310 of the SHPK protein (p.Phe310Leu). This variant is present in population databases (rs764515915, gnomAD 0.003%). This variant has not been reported in the literature in individuals affected with SHPK-related conditions. An algorithm developed to predict the effect of missense changes on protein structure and function (PolyPhen-2) suggests that this variant is likely to be tolerated. In summary, the available evidence is currently insufficient to determine the role of this variant in disease. Therefore, it has been classified as a Variant of Uncertain Significance.

NM_013276.4(SHPK):c.928T>C (p.Phe310Leu)

Gene: SHPK (sedoheptulokinase; minus strand). Cytogenetic location: 17p13.2.
Variant type: single nucleotide variant.
Coding change: c.928T>C on transcript NM_013276.4 (MANE Select); coding-DNA position 928, T replaced by C.
Protein change: p.Phe310Leu; replaces phenylalanine 310 with leucine.
Molecular consequence: missense variant.
Genome position (GRCh38, 1-based): chr17:3,615,433, A>G on the plus strand (T>C on the coding strand, the complement: SHPK is on the minus strand). VCF-style: chr17-3615433-A-G. GRCh37 (hg19) VCF-style: chr17-3518727-A-G.
Other names: short protein forms F310L.
Identifiers: ClinVar variation 3651846 (VCV003651846.2).